The following is an entry in ClinVar:

NM_005475.3(SH2B3):c.781C>T (p.Arg261Trp)

Gene: SH2B3 (SH2B adaptor protein 3; plus strand). Cytogenetic location: 12q24.12.
Variant type: single nucleotide variant.
Coding change: c.781C>T on transcript NM_005475.3 (MANE Select); coding-DNA position 781, C replaced by T.
Protein change: p.Arg261Trp; replaces arginine 261 with tryptophan.
Molecular consequence: missense variant.
Genome position (GRCh38, 1-based): chr12:111,446,801, C>T. VCF-style: chr12-111446801-C-T. GRCh37 (hg19) VCF-style: chr12-111884605-C-T.
Other names: c.175C>T, p.Arg59Trp (NM_001291424.1); short protein forms R261W, R59W.
Identifiers: ClinVar variation 2443261 (VCV002443261.2), dbSNP rs1402866378, ClinGen allele CA386710505.
Genomic context (GRCh38, chr12:111,446,801, plus strand): 5'-TTGGTCTCGTAGAGTTCAAGGCCCAAGCTACAAGCAGCTTGCTCCAGCATCCAGGAGGTC[C>T]GGTGGTGCACACGGCTTGAGATGCCTGACAACCTTTACACCTTTGTGCTGAAGGTGAGTG-3'
Protein context (NP_005466.1, residues 251-271): QAACSSIQEV[Arg261Trp]WCTRLEMPDN

ClinVar aggregate classification (germline): Uncertain significance (0 of 4 stars; one submission).

Allele frequency attached by ClinVar (database versions not stated): gnomAD exomes below 0.00001; TOPMed 0.00001; gnomAD 0.00002.

Submission:

Genetic Services Laboratory, University of Chicago
Classification: Uncertain significance. Last evaluated: 2022-08-24. Review status: no assertion criteria provided. Collection method: clinical testing. Allele origin: germline. Affected: no.
Comment: DNA sequence analysis of the SH2B3 gene demonstrated a sequence change, c.781C>T, in exon 3 that results in an amino acid change, p.Arg261Trp. This sequence change does not appear to have been previously described in individuals with SH2B3-related disorders and has also not been described in population databases such as ExAC and gnomAD (dbSNP rs1402866378). The p.Arg261Trp change affects a highly conserved amino acid residue located in a domain of the SH2B3 protein that is known to be functional. The p.Arg261Trp substitution appears to be deleterious using several in-silico pathogenicity prediction tools (SIFT, PolyPhen2, Align GVGD, REVEL). Due to insufficient evidences and the lack of functional studies, the clinical significance of the p.Arg261Trp change remains unknown at this time.